The following is an entry in ClinVar:

NM_001370259.2(MEN1):c.534dup (p.Glu179Ter)

Gene: MEN1 (menin 1; minus strand). Cytogenetic location: 11q13.1.
Variant type: Duplication.
Coding change: c.534dup on transcript NM_001370259.2 (MANE Select); coding-DNA position 534, one base duplicated (T; older notation c.534dupT).
Protein change: p.Glu179Ter; replaces glutamic acid 179 with a stop codon.
Molecular consequence: nonsense.
Genome position (GRCh38, 1-based): chr11:64,808,011, A duplicated on the plus strand (T on the coding strand, the reverse complement: MEN1 is on the minus strand). VCF-style (leftmost placement, unchanged base first): chr11-64808010-C-CA. GRCh37 (hg19) VCF-style: chr11-64575482-C-CA.
Other names: c.534dup, p.Glu179Ter (NM_001370263.2, NM_130799.3, NM_001370251.2 and 3 more transcripts); c.549dup, p.Glu184Ter (NM_130800.3, NM_130801.3, NM_130802.3 and 3 more transcripts); short protein forms E179*, E184*.
Identifiers: ClinVar variation 1447218 (VCV001447218.7), dbSNP rs2136154587, ClinGen allele CA2573147359.

ClinVar aggregate classification (germline): Pathogenic (1 of 4 stars; one submission).

Conditions:
Multiple endocrine neoplasia, type 1 (MEN1). Also called: Endocrine adenomatosis multiple; MEN 1; MEA I; MEN I; WERMER SYNDROME. Identifiers: Orphanet 652, MedGen C0025267, MeSH D018761, MONDO:0007540, OMIM 131100.

Submission:

Labcorp Genetics (formerly Invitae), Labcorp
Classification: Pathogenic for Multiple endocrine neoplasia, type 1. Last evaluated: 2021-06-18. Review status: criteria provided, single submitter. Criteria: Invitae Variant Classification Sherloc (09022015). Collection method: clinical testing. Allele origin: germline.
Comment: For these reasons, this variant has been classified as Pathogenic. This variant has not been reported in the literature in individuals with MEN1-related conditions. This variant is not present in population databases (ExAC no frequency). This sequence change creates a premature translational stop signal (p.Glu179*) in the MEN1 gene. It is expected to result in an absent or disrupted protein product. Loss-of-function variants in MEN1 are known to be pathogenic (PMID: 12112656, 17853334).

Literature cited by the submitters: PubMed 12112656; PubMed 17853334.